The following is an entry in ClinVar:

NM_001754.5(RUNX1):c.1417G>T (p.Glu473Ter)

Gene: RUNX1 (RUNX family transcription factor 1; minus strand). Cytogenetic location: 21q22.12.
Variant type: single nucleotide variant.
Coding change: c.1417G>T on transcript NM_001754.5 (MANE Select); coding-DNA position 1417, G replaced by T.
Protein change: p.Glu473Ter; replaces glutamic acid 473 with a stop codon.
Molecular consequence: nonsense.
Genome position (GRCh38, 1-based): chr21:34,792,161, C>A on the plus strand (G>T on the coding strand, the complement: RUNX1 is on the minus strand). VCF-style: chr21-34792161-C-A. GRCh37 (hg19) VCF-style: chr21-36164458-C-A.
Other names: NM_001754.5(RUNX1):c.1417G>T; p.Glu473Ter; c.1336G>T, p.Glu446Ter (NM_001001890.3); short protein forms E473*, E446*.
Identifiers: ClinVar variation 2028205 (VCV002028205.6), dbSNP rs2516812694, ClinGen allele CA410146662.
Genomic context (GRCh38, chr21:34,792,161, plus strand): 5'-GCCCGCGGGGCCCAGCCGGGCCAGGCCTGGCGCCTCAGTAGGGCCTCCACACGGCCTCCT[C>A]CAGGCGCGCGGAGGGCGCCATGTTGGTGGGGGAGTTGCTGTGGCTGCCCTCGGCCTCCAC-3'

ClinVar aggregate classification (germline): Likely pathogenic. Review status: reviewed by expert panel (3 of 4 stars). 2 submissions from 2 submitters: Likely pathogenic (1). 1 of the submissions does not count toward it. Last evaluated 2026-10-05.

Conditions:
Hereditary thrombocytopenia and hematologic cancer predisposition syndrome. Identifiers: Orphanet 71290, MedGen CN281654, MONDO:0011071.
Hereditary thrombocytopenia and hematological cancer predisposition syndrome associated with RUNX1. Also called: PLATELET DISORDER, ASPIRIN-LIKE; Familial Platelet Disorder with Propensity to Acute Myelogenous Leukemia; Familial thrombocytopenia with propensity to acute myelogenous leukemia; RUNX1 Familial Platelet Disorder with Associated Myeloid Malignancies. Identifiers: Orphanet 71290, MedGen C1832388, MeSH C563324, MONDO:0100083, OMIM 601399.

Allele frequency attached by ClinVar (database versions not stated): gnomAD exomes below 0.00001.
gnomAD v4.1: 1 of 1,515,014 alleles (0.000066%); highest among the groups gnomAD compares: East Asian, 0.0025%; no homozygotes.

Submissions (2):

ClinGen Myeloid Malignancy Variant Curation Expert Panel
Classification: Likely pathogenic for Hereditary thrombocytopenia and hematologic cancer predisposition syndrome. Last evaluated: 2026-10-05. Review status: reviewed by expert panel. Criteria: ClinGen MyeloMalig ACMG Specifications V3.1. Collection method: curation. Allele origin: germline. Inheritance: Autosomal dominant inheritance.
Comment: NM_001754.5(RUNX1):c.1417G>T (p.Glu473Ter) is a nonsense variant which is not predicted to undergo NMD (PVS1_Strong). This variant is downstream of c.98 (PM5_Supporting) and is completely absent from all population databases with at least 20x coverage for RUNX1 (PM2_Supporting). In summary, this variant meets criteria to be classified as likely pathogenic. ACMG/AMP criteria applied, as specified by the ClinGen Myeloid Malignancy Variant Curation Expert Panel for RUNX1: PVS1_Strong, PM5_Supporting, PM2_Supporting.

Labcorp Genetics (formerly Invitae), Labcorp
Classification: Uncertain significance for Hereditary thrombocytopenia and hematological cancer predisposition syndrome associated with RUNX1. Last evaluated: 2024-03-03. Review status: criteria provided, single submitter. Criteria: Invitae Variant Classification Sherloc (09022015). Collection method: clinical testing. Allele origin: germline. Not counted in ClinVar's aggregate classification.
Comment: This sequence change creates a premature translational stop signal (p.Glu473*) in the RUNX1 gene. While this is not anticipated to result in nonsense mediated decay, it is expected to disrupt the last 8 amino acid(s) of the RUNX1 protein. This variant is not present in population databases (gnomAD no frequency). This variant has not been reported in the literature in individuals affected with RUNX1-related conditions. ClinVar contains an entry for this variant (Variation ID: 2028205). Experimental studies and prediction algorithms are not available or were not evaluated, and the functional significance of this variant is currently unknown. In summary, the available evidence is currently insufficient to determine the role of this variant in disease. Therefore, it has been classified as a Variant of Uncertain Significance.